The following is an entry in ClinVar:

NM_001394998.1(TANC2):c.4327C>T (p.Arg1443Cys)

Gene: TANC2 (tetratricopeptide repeat, ankyrin repeat and coiled-coil containing 2; plus strand). Cytogenetic location: 17q23.3.
Variant type: single nucleotide variant.
Coding change: c.4327C>T on transcript NM_001394998.1 (MANE Select); coding-DNA position 4327, C replaced by T.
Protein change: p.Arg1443Cys; replaces arginine 1443 with cysteine.
Molecular consequence: missense variant.
Genome position (GRCh38, 1-based): chr17:63,420,057, C>T. VCF-style: chr17-63420057-C-T. GRCh37 (hg19) VCF-style: chr17-61497418-C-T.
Other names: c.4105C>T, p.Arg1369Cys (NM_001411076.1); c.4075C>T, p.Arg1359Cys (NM_025185.4); short protein forms R1359C, R1369C, R1443C.
Identifiers: ClinVar variation 2636800 (VCV002636800.1), dbSNP rs747580283, ClinGen allele CA8698227.

ClinVar aggregate classification (germline): Uncertain significance (1 of 4 stars; one submission).

Conditions:
TANC2-related disorder. Also called: TANC2-related condition.

Allele frequency attached by ClinVar (database versions not stated): gnomAD 0.00001.
gnomAD v4.1: 8 of 1,552,080 alleles (0.00052%); highest among the groups gnomAD compares: African/African-American, 0.0014%; no homozygotes.

Submission:

PreventionGenetics, part of Exact Sciences
Classification: Uncertain significance for TANC2-related condition. Last evaluated: 2023-08-04. Review status: criteria provided, single submitter. Criteria: ACMG Guidelines, 2015. Collection method: clinical testing. Allele origin: germline.
Comment: The TANC2 c.4075C>T variant is predicted to result in the amino acid substitution p.Arg1359Cys. This variant was reported in an individual with global developmental delay, hypotonia and joint laxity and was detected in the mosaic state in the unaffected father (Basel-Salmon et al 2021. PubMed ID: 32801363). This variant is reported in 0.012% of alleles in individuals of African descent in gnomAD. At this time, the clinical significance of this variant is uncertain due to the absence of conclusive functional and genetic evidence.